The following is an entry in ClinVar:

NM_002609.4(PDGFRB):c.845A>T (p.Glu282Val)

Gene: PDGFRB (platelet derived growth factor receptor beta; minus strand). Cytogenetic location: 5q32.
Variant type: single nucleotide variant.
Coding change: c.845A>T on transcript NM_002609.4 (MANE Select); coding-DNA position 845, A replaced by T.
Protein change: p.Glu282Val; replaces glutamic acid 282 with valine.
Molecular consequence: missense variant.
Genome position (GRCh38, 1-based): chr5:150,133,675, T>A on the plus strand (A>T on the coding strand, the complement: PDGFRB is on the minus strand). VCF-style: chr5-150133675-T-A. GRCh37 (hg19) VCF-style: chr5-149513238-T-A.
Other names: p.Glu282Val; c.653A>T, p.Glu218Val (NM_001355016.2); c.362A>T, p.Glu121Val (NM_001355017.2); short protein forms E121V, E218V, E282V.
Identifiers: ClinVar variation 3379610 (VCV003379610.1).
Genomic context (GRCh38, chr5:150,133,675, plus strand): 5'-TCCTGATGGTCATTCACACTCTCCGTCACATTGCAGGTGTAGGTCCCCGAGTCTTCTAAC[T>A]CGGCACTGGGGATGTGCAGGATGGAGCGGATGTGGTAAGGCATATCCAAGAGGAAGTCAG-3'
Protein context (NP_002600.1, residues 272-292): IRSILHIPSA[Glu282Val]LEDSGTYTCN

ClinVar aggregate classification (germline): Uncertain significance (1 of 4 stars; one submission).

Submission:

Mayo Clinic Laboratories, Mayo Clinic
Classification: Uncertain significance. Last evaluated: 2024-03-18. Review status: criteria provided, single submitter. Criteria: ACMG Guidelines, 2015. Collection method: clinical testing. Allele origin: germline. Observed: 1 variant allele.
Comment: BP4, PM2